The following is an entry in ClinVar:

ClinVar aggregate classification (germline): Uncertain significance. Review status: criteria provided, multiple submitters, no conflicts (2 of 4 stars). 3 submissions from 3 submitters: Uncertain significance (3). Last evaluated 2025-05-20.

Conditions:
NTRK2-related disorder. Also called: NTRK2-related condition.

Allele frequency attached by ClinVar (database versions not stated): gnomAD exomes below 0.00001 and 0.00001; ExAC 0.00001.
gnomAD v4.1: 2 of 1,613,944 alleles (0.00012%); highest among the groups gnomAD compares: East Asian, 0.0022%; no homozygotes.

Submissions (3):

PreventionGenetics, part of Exact Sciences
Classification: Uncertain significance for NTRK2-related condition. Last evaluated: 2025-05-20. Review status: criteria provided, single submitter. Criteria: ACMG Guidelines, 2015. Collection method: clinical testing. Allele origin: germline.
Comment: The NTRK2 c.1339C>T variant is predicted to result in the amino acid substitution p.Leu447Phe. To our knowledge, this variant has not been reported in the literature. This variant is reported in 0.0054% of alleles in individuals of East Asian descent in gnomAD. At this time, the clinical significance of this variant is uncertain due to the absence of conclusive functional and genetic evidence.

CeGaT Center for Human Genetics Tuebingen
Classification: Uncertain significance. Last evaluated: 2023-03-01. Review status: criteria provided, single submitter. Criteria: CeGaT Center For Human Genetics Tuebingen Variant Classification Criteria Version 2. Collection method: clinical testing. Allele origin: germline. Affected: yes. Observed: 1 variant allele.

Labcorp Genetics (formerly Invitae), Labcorp
Classification: Uncertain significance. Last evaluated: 2021-02-26. Review status: criteria provided, single submitter. Criteria: Invitae Variant Classification Sherloc (09022015). Collection method: clinical testing. Allele origin: germline.
Comment: This variant is present in population databases (rs746665735, ExAC 0.001%). This sequence change replaces leucine with phenylalanine at codon 447 of the NTRK2 protein (p.Leu447Phe). The leucine residue is moderately conserved and there is a small physicochemical difference between leucine and phenylalanine. This variant has not been reported in the literature in individuals with NTRK2-related conditions. Algorithms developed to predict the effect of missense changes on protein structure and function are either unavailable or do not agree on the potential impact of this missense change (SIFT: "Tolerated"; PolyPhen-2: "Probably Damaging"; Align-GVGD: "Class C0"). In summary, the available evidence is currently insufficient to determine the role of this variant in disease. Therefore, it has been classified as a Variant of Uncertain Significance.

NM_006180.6(NTRK2):c.1339C>T (p.Leu447Phe)

Gene: NTRK2 (neurotrophic receptor tyrosine kinase 2; plus strand). Cytogenetic location: 9q21.33.
Variant type: single nucleotide variant.
Coding change: c.1339C>T on transcript NM_006180.6 (MANE Select); coding-DNA position 1339, C replaced by T.
Protein change: p.Leu447Phe; replaces leucine 447 with phenylalanine.
Molecular consequence: missense variant.
Genome position (GRCh38, 1-based): chr9:84,752,028, C>T. VCF-style: chr9-84752028-C-T. GRCh37 (hg19) VCF-style: chr9-87366943-C-T.
Other names: c.1339C>T (NM_006180.4); c.871C>T, p.Leu291Phe (NM_001369536.1, NM_001369535.1, NM_001369550.1 and 2 more transcripts); c.1339C>T, p.Leu447Phe (NM_001369537.1, NM_001369538.1, NM_001369539.1 and 15 more transcripts); c.1300C>T, p.Leu434Phe (NM_001291937.2, NM_001369546.1); c.1303C>T, p.Leu435Phe (NM_001369534.1); short protein forms L435F, L434F, L447F, L291F.
Identifiers: ClinVar variation 1355893 (VCV001355893.32), dbSNP rs746665735, ClinGen allele CA5105718.